The following is an entry in ClinVar:

ClinVar aggregate classification (germline): Uncertain significance (1 of 4 stars; one submission).

Conditions:
Familial thoracic aortic aneurysm and aortic dissection (TAAD). Also called: Thoracic aortic aneurysms and dissections. Identifiers: Orphanet 91387, MedGen C4707243, MONDO:0019625.

gnomAD v4.1: 1 of 1,613,724 alleles (0.000062%); highest among the groups gnomAD compares: Non-Finnish European, 0.000085%; no homozygotes.

Submission:

Color Diagnostics, LLC DBA Color Health
Classification: Uncertain significance for Familial thoracic aortic aneurysm and aortic dissection. Last evaluated: 2024-01-24. Review status: criteria provided, single submitter. Criteria: ACMG Guidelines, 2015. Collection method: clinical testing. Allele origin: germline.
Comment: This variant causes an A to T nucleotide substitution at the -13 position of intron 30 of the MYH11 gene. To our knowledge, functional studies have not been reported for this variant. This variant has not been reported in individuals affected with MYH11-related disorders in the literature. This variant has been identified in 1/251066 chromosomes in the general population by the Genome Aggregation Database (gnomAD). The available evidence is insufficient to determine the role of this variant in disease conclusively. Therefore, this variant is classified as a Variant of Uncertain Significance.

NM_002474.3(MYH11):c.3964-13A>T

Genes: NDE1 (nudE neurodevelopment protein 1; plus strand), MYH11 (myosin heavy chain 11; minus strand). Cytogenetic location: 16p13.11.
Variant type: single nucleotide variant.
Coding change: c.3964-13A>T on transcript NM_002474.3 (MANE Select); 13 bases into the intron before coding-DNA position 3964, A replaced by T.
Molecular consequence: intron variant. On other transcripts: 3 prime UTR variant (2).
Genome position (GRCh38, 1-based): chr16:15,724,812, T>A on the plus strand (A>T on the coding strand, the complement: MYH11 is on the minus strand). VCF-style: chr16-15724812-T-A. GRCh37 (hg19) VCF-style: chr16-15818669-T-A.
Other names: c.*561T>A (NM_001143979.2, NM_017668.3); c.3964-13A>T (NM_022844.3); c.3985-13A>T (NM_001040114.2, NM_001040113.2).
Identifiers: ClinVar variation 4758425 (VCV004758425.1).
Genomic context (GRCh38, chr16:15,724,812, plus strand): 5'-CTTCGTAGACACGTTGAGCTTCTGCCGGGTTTCTTCTTGAAGCAGCTCCTGCAAAAGGGA[T>A]GCAAAGAGGTCCCAGGGACCTGCCCCGAGGAAGGCCACCCCCCAGGTCCCCTGGATGATG-3'